The following is an entry in ClinVar:

ClinVar aggregate classification (germline): Uncertain significance. Review status: criteria provided, multiple submitters, no conflicts (2 of 4 stars). 3 submissions from 3 submitters: Uncertain significance (3). Last evaluated 2025-04-04.

Allele frequency attached by ClinVar (database versions not stated): gnomAD 0.00001; gnomAD exomes 0.00001; ExAC 0.00004.
gnomAD v4.1: 18 of 1,527,556 alleles (0.0012%); highest among the groups gnomAD compares: Admixed American, 0.015%; no homozygotes.

Submissions (3):

GeneDx
Classification: Uncertain significance. Last evaluated: 2025-04-04. Review status: criteria provided, single submitter. Criteria: GeneDx Variant Classification Process June 2021. Collection method: clinical testing. Allele origin: germline. Affected: yes.
Comment: Has not been previously published as pathogenic or benign to our knowledge; In silico analysis is inconclusive as to whether the variant alters gene splicing. In the absence of RNA/functional studies, the actual effect of this sequence change is unknown.

Labcorp Genetics (formerly Invitae), Labcorp
Classification: Uncertain significance. Last evaluated: 2024-10-16. Review status: criteria provided, single submitter. Criteria: Invitae Variant Classification Sherloc (09022015). Collection method: clinical testing. Allele origin: germline.
Comment: This sequence change affects codon 97 of the NUBPL mRNA. It is a 'silent' change, meaning that it does not change the encoded amino acid sequence of the NUBPL protein. This variant also falls at the last nucleotide of exon 3, which is part of the consensus splice site for this exon. This variant is present in population databases (rs766316675, gnomAD 0.02%). This variant has not been reported in the literature in individuals affected with NUBPL-related conditions. ClinVar contains an entry for this variant (Variation ID: 1896840). Variants that disrupt the consensus splice site are a relatively common cause of aberrant splicing (PMID: 17576681, 9536098). Algorithms developed to predict the effect of sequence changes on RNA splicing suggest that this variant may disrupt the consensus splice site. In summary, the available evidence is currently insufficient to determine the role of this variant in disease. Therefore, it has been classified as a Variant of Uncertain Significance.

Mayo Clinic Laboratories, Mayo Clinic
Classification: Uncertain significance. Last evaluated: 2024-06-11. Review status: criteria provided, single submitter. Criteria: ACMG Guidelines, 2015. Collection method: clinical testing. Allele origin: germline. Observed: 1 variant allele.

Literature cited by the submitters: PubMed 17576681 (cited by Labcorp Genetics (formerly Invitae), Labcorp); PubMed 9536098 (cited by Labcorp Genetics (formerly Invitae), Labcorp).

NM_025152.3(NUBPL):c.291G>A (p.Ser97=)

Gene: NUBPL (NUBP iron-sulfur cluster assembly factor, mitochondrial; plus strand). Cytogenetic location: 14q12.
Variant type: single nucleotide variant.
Coding change: c.291G>A on transcript NM_025152.3 (MANE Select); coding-DNA position 291, G replaced by A.
Protein change: p.Ser97=; no amino-acid change (serine 97 retained).
Molecular consequence: synonymous variant. On other transcripts: non-coding transcript variant (1).
Genome position (GRCh38, 1-based): chr14:31,565,048, G>A. VCF-style: chr14-31565048-G-A. GRCh37 (hg19) VCF-style: chr14-32034254-G-A.
Other names: p.Ser97=; c.291G>A (NM_025152.2).
Identifiers: ClinVar variation 1896840 (VCV001896840.6), dbSNP rs766316675, ClinGen allele CA7147772.